The following is an entry in ClinVar:

NM_000059.4(BRCA2):c.6094G>T (p.Ala2032Ser)

Gene: BRCA2 (BRCA2 DNA repair associated; plus strand). Cytogenetic location: 13q13.1.
Variant type: single nucleotide variant.
Coding change: c.6094G>T on transcript NM_000059.4 (MANE Select); coding-DNA position 6094, G replaced by T.
Protein change: p.Ala2032Ser; replaces alanine 2032 with serine.
Molecular consequence: missense variant.
Genome position (GRCh38, 1-based): chr13:32,340,449, G>T. VCF-style: chr13-32340449-G-T. GRCh37 (hg19) VCF-style: chr13-32914586-G-T.
Other names: short protein forms A2032S.
Identifiers: ClinVar variation 485426 (VCV000485426.12), dbSNP rs786203284, ClinGen allele CA387788071.

ClinVar aggregate classification (germline): Conflicting classifications of pathogenicity. Review status: criteria provided, conflicting classifications (1 of 4 stars). 3 submissions from 3 submitters: Uncertain significance (2); Likely benign (1). Last evaluated 2025-10-03.

Conditions:
Hereditary breast ovarian cancer syndrome. Also called: Hereditary breast and ovarian cancer syndrome; Hereditary breast and ovarian cancer; Hereditary breast and ovarian cancer syndrome (HBOC); Breast and ovarian cancer; Hereditary breast and/or ovarian cancer syndrome; BRCA1- and BRCA2-Associated Hereditary Breast and Ovarian Cancer. Identifiers: Orphanet 145, MedGen C0677776, MeSH D061325, MONDO:0003582. Disease mechanism: loss of function.
Hereditary cancer-predisposing syndrome. Also called: Neoplastic Syndromes, Hereditary; Tumor predisposition; Hereditary Cancer Syndrome; Hereditary neoplastic syndrome. Identifiers: Orphanet 140162, MedGen C0027672, MeSH D009386, MONDO:0015356.

Submissions (3):

Ambry Genetics
Classification: Uncertain significance for Hereditary cancer-predisposing syndrome. Last evaluated: 2025-10-03. Review status: criteria provided, single submitter. Criteria: Ambry Variant Classification Scheme 2023. Collection method: clinical testing. Allele origin: germline.
Comment: The p.A2032S variant (also known as c.6094G>T), located in coding exon 10 of the BRCA2 gene, results from a G to T substitution at nucleotide position 6094. The alanine at codon 2032 is replaced by serine, an amino acid with similar properties. This amino acid position is poorly conserved in available vertebrate species. In addition, this alteration is predicted to be tolerated by in silico analysis. Since supporting evidence is limited at this time, the clinical significance of this alteration remains unclear.

Labcorp Genetics (formerly Invitae), Labcorp
Classification: Uncertain significance for Hereditary breast ovarian cancer syndrome. Last evaluated: 2024-06-29. Review status: criteria provided, single submitter. Criteria: Invitae Variant Classification Sherloc (09022015). Collection method: clinical testing. Allele origin: germline.
Comment: This sequence change replaces alanine, which is neutral and non-polar, with serine, which is neutral and polar, at codon 2032 of the BRCA2 protein (p.Ala2032Ser). This variant is not present in population databases (gnomAD no frequency). This variant has not been reported in the literature in individuals affected with BRCA2-related conditions. ClinVar contains an entry for this variant (Variation ID: 485426). Advanced modeling of protein sequence and biophysical properties (such as structural, functional, and spatial information, amino acid conservation, physicochemical variation, residue mobility, and thermodynamic stability) performed at Invitae indicates that this missense variant is not expected to disrupt BRCA2 protein function with a negative predictive value of 95%. In summary, the available evidence is currently insufficient to determine the role of this variant in disease. Therefore, it has been classified as a Variant of Uncertain Significance.

University of Washington Department of Laboratory Medicine, University of Washington
Classification: Likely benign for Hereditary cancer-predisposing syndrome. Last evaluated: 2023-03-23. Review status: criteria provided, single submitter. Criteria: Dines et al. (Genet Med. 2020). Collection method: curation. Allele origin: germline.
Comment: Missense variant in a coldspot region where missense variants are very unlikely to be pathogenic (PMID:31911673).

BRCA2 exon 11 coldspot. Reclassification based on statistical prior probability.